The following is an entry in ClinVar:

ClinVar aggregate classification (germline): Conflicting classifications of pathogenicity. Review status: criteria provided, conflicting classifications (1 of 4 stars). 6 submissions from 6 submitters: Uncertain significance (5); Likely benign (1). Last evaluated 2025-01-23.

Conditions:
Hearing impairment. Also called: Impaired Hearing. Identifiers: MedGen C1384666, MONDO:0005365, HP:0000365.
Autosomal recessive nonsyndromic hearing loss 8 (DFNB8). Also called: Deafness, autosomal recessive 10; NEUROSENSORY NONSYNDROMIC RECESSIVE DEAFNESS 8. Identifiers: Orphanet 90636, MedGen C1832827, MONDO:0010987, OMIM 601072.

Allele frequency attached by ClinVar (database versions not stated): gnomAD 0.00001 and 0.00005; TOPMed 0.00005; gnomAD exomes 0.00013; ExAC 0.00021.

Submissions (6):

GeneDx
Classification: Uncertain significance. Last evaluated: 2025-01-23. Review status: criteria provided, single submitter. Criteria: GeneDx Variant Classification Process June 2021. Collection method: clinical testing. Allele origin: germline.
Comment: In silico analysis indicates that this missense variant does not alter protein structure/function; Has not been previously published as pathogenic or benign to our knowledge

Blueprint Genetics
Classification: Uncertain significance. Last evaluated: 2024-11-13. Review status: criteria provided, single submitter. Criteria: ACMG Guidelines, 2015. Collection method: clinical testing. Allele origin: germline.

Labcorp Genetics (formerly Invitae), Labcorp
Classification: Likely benign. Last evaluated: 2024-03-09. Review status: criteria provided, single submitter. Criteria: Invitae Variant Classification Sherloc (09022015). Collection method: clinical testing. Allele origin: germline.

Fulgent Genetics
Classification: Uncertain significance for Autosomal recessive nonsyndromic hearing loss 8. Last evaluated: 2021-10-06. Review status: criteria provided, single submitter. Criteria: ACMG Guidelines, 2015. Collection method: clinical testing. Allele origin: unknown.

Department of Otolaryngology – Head & Neck Surgery, Cochlear Implant Center
Classification: Uncertain significance for Hearing impairment. Last evaluated: 2021-04-12. Review status: criteria provided, single submitter. Criteria: ClinGen HL ACMG Specifications v1. Collection method: clinical testing. Allele origin: germline. Affected: yes.
Comment: PM2_Moderate, BP4_Supporting

CeGaT Center for Human Genetics Tuebingen
Classification: Uncertain significance. Last evaluated: 2017-03-01. Review status: criteria provided, single submitter. Criteria: CeGaT Center For Human Genetics Tuebingen Variant Classification Criteria Version 2. Collection method: clinical testing. Allele origin: germline. Affected: yes. Observed: 1 variant allele.

NM_001256317.3(TMPRSS3):c.496C>T (p.Arg166Trp)

Gene: TMPRSS3 (transmembrane serine protease 3; minus strand). Cytogenetic location: 21q22.3.
Variant type: single nucleotide variant.
Coding change: c.496C>T on transcript NM_001256317.3 (MANE Select); coding-DNA position 496, C replaced by T.
Protein change: p.Arg166Trp; replaces arginine 166 with tryptophan.
Molecular consequence: missense variant.
Genome position (GRCh38, 1-based): chr21:42,385,485, G>A on the plus strand (C>T on the coding strand, the complement: TMPRSS3 is on the minus strand). VCF-style: chr21-42385485-G-A. GRCh37 (hg19) VCF-style: chr21-43805594-G-A.
Other names: c.496C>T, p.Arg166Trp (NM_024022.4, NM_032405.2); c.115C>T, p.Arg39Trp (NM_032404.3); short protein forms R166W, R39W.
Identifiers: ClinVar variation 444576 (VCV000444576.56), dbSNP rs781395690, ClinGen allele CA10042608.